The following is an entry in ClinVar:

NM_020207.7(ERCC6L2):c.943A>G (p.Met315Val)

Gene: ERCC6L2 (ERCC excision repair 6 like 2; plus strand). Cytogenetic location: 9q22.32.
Variant type: single nucleotide variant.
Coding change: c.943A>G on transcript NM_020207.7 (MANE Select); coding-DNA position 943, A replaced by G.
Protein change: p.Met315Val; replaces methionine 315 with valine.
Molecular consequence: missense variant. On other transcripts: non-coding transcript variant (1).
Genome position (GRCh38, 1-based): chr9:95,915,822, A>G. VCF-style: chr9-95915822-A-G. GRCh37 (hg19) VCF-style: chr9-98678104-A-G.
Other names: c.943A>G, p.Met315Val (NM_001010895.4, NM_001375291.1, NM_001375292.1 and 2 more transcripts); short protein forms M315V.
Identifiers: ClinVar variation 4019361 (VCV004019361.1).

ClinVar aggregate classification (germline): Uncertain significance (1 of 4 stars; one submission).

Conditions:
Inborn genetic diseases. Identifiers: MedGen C0950123, MeSH D030342.

Submission:

Ambry Genetics
Classification: Uncertain significance for Inborn genetic diseases. Last evaluated: 2025-05-18. Review status: criteria provided, single submitter. Criteria: Ambry Variant Classification Scheme 2023. Collection method: clinical testing. Allele origin: germline.
Comment: The p.M315V variant (also known as c.943A>G), located in coding exon 5 of the ERCC6L2 gene, results from an A to G substitution at nucleotide position 943. The methionine at codon 315 is replaced by valine, an amino acid with highly similar properties. This amino acid position is conserved. In addition, the in silico prediction for this alteration is inconclusive. Based on the available evidence, the clinical significance of this variant remains unclear.